The following is an entry in ClinVar:

NM_004006.3(DMD):c.6614+26G>T

Gene: DMD (dystrophin; minus strand). Cytogenetic location: Xp21.1.
Variant type: single nucleotide variant.
Coding change: c.6614+26G>T on transcript NM_004006.3 (MANE Select); 26 bases into the intron after coding-DNA position 6614, G replaced by T.
Molecular consequence: intron variant.
Genome position (GRCh38, 1-based): chrX:31,968,313, C>A on the plus strand (G>T on the coding strand, the complement: DMD is on the minus strand). VCF-style: chrX-31968313-C-A. GRCh37 (hg19) VCF-style: chrX-31986430-C-A.
Other names: c.6590+26G>T (NM_000109.4); c.2591+26G>T (NM_004011.4); c.2582+26G>T (NM_004012.4); c.-767+26G>T (NM_004023.3, NM_004020.4, NM_004022.3 and 2 more transcripts); c.6602+26G>T (NM_004009.3); c.6245+26G>T (NM_004010.3).
Identifiers: ClinVar variation 439609 (VCV000439609.15), dbSNP rs3761604, ClinGen allele CA10378431.

ClinVar aggregate classification (germline): Benign. Review status: criteria provided, multiple submitters, no conflicts (2 of 4 stars). 7 submissions from 6 submitters: Benign (6). 1 of the submissions does not count toward it. Last evaluated 2026-09-21.

Conditions:
Dilated cardiomyopathy 3B (CMD3B). Also called: CMD3B: DMD-Related Dilated Cardiomyopathy; CARDIOMYOPATHY, DILATED, X-LINKED; DMD-Associated Dilated Cardiomyopathy. Identifiers: Orphanet 154, MedGen C3668940, MONDO:0010542, OMIM 302045.
Dystrophin deficiency.
Duchenne muscular dystrophy (DMD). Also called: Duchenne Muscular Dystrophy (DMD); MUSCULAR DYSTROPHY, PSEUDOHYPERTROPHIC PROGRESSIVE, DUCHENNE TYPE. Identifiers: Orphanet 98896, MedGen C0013264, MONDO:0010679, OMIM 310200.

Allele frequency attached by ClinVar (database versions not stated): gnomAD 0.28231 and 0.28972; 1000 Genomes Project 0.32901; TOPMed 0.27407; 1000 Genomes Project 30x 0.32445; gnomAD exomes 0.32853 and 0.33004; ESP Exome Variant Server 0.26372; ExAC 0.32935.
gnomAD v4.1: 392,528 of 1,203,098 alleles (33%); highest among the groups gnomAD compares: East Asian, 49%; 43,876 homozygotes.

Submissions (7):

Molecular Diagnostic Laboratory for Inherited Cardiovascular Disease, Montreal Heart Institute
Classification: Benign. Last evaluated: 2026-09-21. Review status: criteria provided, single submitter. Criteria: ACMG Guidelines, 2015. Collection method: clinical testing. Allele origin: germline. Affected: no.

Genome-Nilou Lab
Classification: Benign for Dilated cardiomyopathy 3B. Last evaluated: 2021-07-30. Review status: criteria provided, single submitter. Criteria: ACMG Guidelines, 2015. Collection method: clinical testing. Allele origin: germline. Affected: no.

Genome-Nilou Lab
Classification: Benign for Duchenne muscular dystrophy. Last evaluated: 2021-07-30. Review status: criteria provided, single submitter. Criteria: ACMG Guidelines, 2015. Collection method: clinical testing. Allele origin: germline. Affected: no.

ARUP Laboratories, Molecular Genetics and Genomics, ARUP Laboratories
Classification: Benign. Last evaluated: 2018-07-10. Review status: criteria provided, single submitter. Criteria: ARUP Molecular Germline Variant Investigation Process. Collection method: clinical testing. Allele origin: germline.

GeneDx
Classification: Benign. Last evaluated: 2018-06-14. Review status: criteria provided, single submitter. Criteria: GeneDx Variant Classification (06012015). Collection method: clinical testing. Allele origin: germline. Affected: yes.
Comment: This variant is considered likely benign or benign based on one or more of the following criteria: it is a conservative change, it occurs at a poorly conserved position in the protein, it is predicted to be benign by multiple in silico algorithms, and/or has population frequency not consistent with disease.

Breakthrough Genomics
Classification: Benign. Review status: criteria provided, single submitter. Criteria: ACMG Guidelines, 2015. Collection method: not provided. Allele origin: germline. Inheritance: X-linked inheritance. Affected: yes.

Natera, Inc.
Classification: Benign for Dystrophin deficiency. Last evaluated: 2020-09-16. Review status: no assertion criteria provided. Collection method: clinical testing. Allele origin: germline. Not counted in ClinVar's aggregate classification.